The following is an entry in ClinVar:

ClinVar aggregate classification (germline): Uncertain significance (1 of 4 stars; one submission).

Conditions:
Acrocallosal syndrome (ACLS). Also called: HALLUX DUPLICATION, POSTAXIAL POLYDACTYLY, AND ABSENCE OF CORPUS CALLOSUM; Schinzel syndrome 1; Absence of corpus callosum with unusual facial appearance, mental deficiency, duplication of the halluces and polydactyly. Identifiers: Orphanet 36, MedGen C0796147, MONDO:0008708, OMIM 200990.

gnomAD v4.1: 2 of 1,555,644 alleles (0.00013%); highest among the groups gnomAD compares: Non-Finnish European, 0.00017%; no homozygotes.

Submission:

Labcorp Genetics (formerly Invitae), Labcorp
Classification: Uncertain significance for Acrocallosal syndrome. Last evaluated: 2021-08-11. Review status: criteria provided, single submitter. Criteria: Invitae Variant Classification Sherloc (09022015). Collection method: clinical testing. Allele origin: germline.
Comment: This sequence change replaces arginine with proline at codon 973 of the KIF7 protein (p.Arg973Pro). The arginine residue is highly conserved and there is a moderate physicochemical difference between arginine and proline. This variant is present in population databases (rs762483775, ExAC 0.01%). This variant has not been reported in the literature in individuals affected with KIF7-related conditions. Algorithms developed to predict the effect of missense changes on protein structure and function are either unavailable or do not agree on the potential impact of this missense change (SIFT: "Deleterious"; PolyPhen-2: "Benign"; Align-GVGD: "Class C15"). In summary, the available evidence is currently insufficient to determine the role of this variant in disease. Therefore, it has been classified as a Variant of Uncertain Significance.

NM_198525.3(KIF7):c.2918G>C (p.Arg973Pro)

Gene: KIF7 (kinesin family member 7; minus strand). Cytogenetic location: 15q26.1.
Variant type: single nucleotide variant.
Coding change: c.2918G>C on transcript NM_198525.3 (MANE Select); coding-DNA position 2918, G replaced by C.
Protein change: p.Arg973Pro; replaces arginine 973 with proline.
Molecular consequence: missense variant.
Genome position (GRCh38, 1-based): chr15:89,631,688, C>G on the plus strand (G>C on the coding strand, the complement: KIF7 is on the minus strand). VCF-style: chr15-89631688-C-G. GRCh37 (hg19) VCF-style: chr15-90174919-C-G.
Other names: short protein forms R973P.
Identifiers: ClinVar variation 1477237 (VCV001477237.6), dbSNP rs762483775, ClinGen allele CA7727881.